The following is an entry in ClinVar:

NM_003816.3(ADAM9):c.576del (p.Glu193fs)

Gene: ADAM9 (ADAM metallopeptidase domain 9; plus strand). Cytogenetic location: 8p11.22.
Variant type: Deletion.
Coding change: c.576del on transcript NM_003816.3 (MANE Select); coding-DNA position 576, one base deleted (A; older notation c.576delA).
Protein change: p.Glu193fs; shifts the reading frame from glutamic acid 193.
Molecular consequence: frameshift variant. On other transcripts: non-coding transcript variant (3).
Genome position (GRCh38, 1-based): chr8:39,017,384, A deleted; the last of 2 consecutive A bases (chr8:39,017,383-39,017,384); deleting either gives the same sequence. VCF-style (leftmost placement, unchanged base first): chr8-39017382-GA-G. GRCh37 (hg19) VCF-style: chr8-38874901-GA-G.
Other names: short protein forms E193fs.
Identifiers: ClinVar variation 1065690 (VCV001065690.1), dbSNP rs2129433190, ClinGen allele CA2499219286.
Genomic context (GRCh38, chr8:39,017,382, plus strand): 5'-CCTCTGAAATGTGGAGTTTCCAACAAGGATATAGAGAAAGAAACTGCAAAGGATGAAGAG[GA>G]AGAGCCTCCCAGCATGACTCAGCTACTTCGAGTAAGGAAATAACATAATTCTTCATGGCT-3'

ClinVar aggregate classification (germline): Likely pathogenic (1 of 4 stars; one submission).

Conditions:
Cone-rod dystrophy 9 (CORD9). Identifiers: Orphanet 1872, MedGen C1423873, MONDO:0013002, OMIM 612775.

Submission:

Ocular Genomics Institute, Massachusetts Eye and Ear
Classification: Likely pathogenic for Cone-rod dystrophy 9. Last evaluated: 2021-04-08. Review status: criteria provided, single submitter. Criteria: ACMG Guidelines, 2015. Collection method: research. Allele origin: germline. Affected: yes.
Comment: Through a review of available evidence we were able to apply the following criteria: PVS1, PM2. Based on this evidence we have classified this variant as Likely Pathogenic.